The following is an entry in ClinVar:

ClinVar aggregate classification (germline): Uncertain significance (1 of 4 stars; one submission).

Allele frequency attached by ClinVar (database versions not stated): TOPMed below 0.00001; gnomAD exomes 0.00002.
gnomAD v4.1: 26 of 1,614,018 alleles (0.0016%); highest among the groups gnomAD compares: Non-Finnish European, 0.0021%; no homozygotes.

Submission:

Labcorp Genetics (formerly Invitae), Labcorp
Classification: Uncertain significance. Last evaluated: 2025-04-21. Review status: criteria provided, single submitter. Criteria: Invitae Variant Classification Sherloc (09022015). Collection method: clinical testing. Allele origin: germline.
Comment: This sequence change replaces aspartic acid, which is acidic and polar, with asparagine, which is neutral and polar, at codon 1115 of the ANLN protein (p.Asp1115Asn). This variant is not present in population databases (gnomAD no frequency). This variant has not been reported in the literature in individuals affected with ANLN-related conditions. ClinVar contains an entry for this variant (Variation ID: 1447034). An algorithm developed to predict the effect of missense changes on protein structure and function (PolyPhen-2) suggests that this variant is likely to be disruptive. In summary, the available evidence is currently insufficient to determine the role of this variant in disease. Therefore, it has been classified as a Variant of Uncertain Significance.

NM_018685.5(ANLN):c.3343G>A (p.Asp1115Asn)

Gene: ANLN (anillin, actin binding protein; plus strand). Cytogenetic location: 7p14.2.
Variant type: single nucleotide variant.
Coding change: c.3343G>A on transcript NM_018685.5 (MANE Select); coding-DNA position 3343, G replaced by A.
Protein change: p.Asp1115Asn; replaces aspartic acid 1115 with asparagine.
Molecular consequence: missense variant.
Genome position (GRCh38, 1-based): chr7:36,452,568, G>A. VCF-style: chr7-36452568-G-A. GRCh37 (hg19) VCF-style: chr7-36492177-G-A.
Other names: c.3232G>A, p.Asp1078Asn (NM_001284301.3); c.3229G>A, p.Asp1077Asn (NM_001284302.3); short protein forms D1078N, D1115N, D1077N.
Identifiers: ClinVar variation 1447034 (VCV001447034.6), dbSNP rs1789291337, ClinGen allele CA367201782.